The following is an entry in ClinVar:

NM_020754.4(ARHGAP31):c.622A>G (p.Ile208Val)

Gene: ARHGAP31 (Rho GTPase activating protein 31; plus strand). Cytogenetic location: 3q13.33.
Variant type: single nucleotide variant.
Coding change: c.622A>G on transcript NM_020754.4 (MANE Select); coding-DNA position 622, A replaced by G.
Protein change: p.Ile208Val; replaces isoleucine 208 with valine.
Molecular consequence: missense variant.
Genome position (GRCh38, 1-based): chr3:119,383,166, A>G. VCF-style: chr3-119383166-A-G. GRCh37 (hg19) VCF-style: chr3-119102013-A-G.
Other names: short protein forms I208V.
Identifiers: ClinVar variation 1312484 (VCV001312484.2), dbSNP rs1239955501, ClinGen allele CA354027484.
Genomic context (GRCh38, chr3:119,383,166, plus strand): 5'-GGTTGCAATGGAGATGCAGCCTTCCTTGCAGTCCGGGTCCAGCAGGTGGTGATTGAGTTC[A>G]TATTGAATCATGTAGATCAAATCTTTAACAACGGTGCACCTGGGTCTCTGGAGAATGATG-3'
Protein context (NP_065805.2, residues 198-218): VRVQQVVIEF[Ile208Val]LNHVDQIFNN

ClinVar aggregate classification (germline): Uncertain significance (1 of 4 stars; one submission).

Allele frequency attached by ClinVar (database versions not stated): TOPMed below 0.00001; gnomAD 0.00001; gnomAD exomes 0.00001.
gnomAD v4.1: 4 of 1,614,124 alleles (0.00025%); highest among the groups gnomAD compares: Non-Finnish European, 0.00034%; no homozygotes.

Submission:

GeneDx
Classification: Uncertain significance. Last evaluated: 2019-09-24. Review status: criteria provided, single submitter. Criteria: GeneDx Variant Classification Process June 2021. Collection method: clinical testing. Allele origin: germline. Affected: yes.
Comment: Not observed in large population cohorts (Lek et al., 2016); In silico analysis, which includes protein predictors and evolutionary conservation, supports that this variant does not alter protein structure/function; Has not been previously published as pathogenic or benign to our knowledge